The following is an entry in ClinVar:

NM_000245.4(MET):c.2418G>C (p.Leu806=)

Gene: MET (MET proto-oncogene, receptor tyrosine kinase; plus strand). Cytogenetic location: 7q31.2.
Variant type: single nucleotide variant.
Coding change: c.2418G>C on transcript NM_000245.4 (MANE Select); coding-DNA position 2418, G replaced by C.
Protein change: p.Leu806=; no amino-acid change (leucine 806 retained).
Molecular consequence: synonymous variant.
Genome position (GRCh38, 1-based): chr7:116,763,103, G>C. VCF-style: chr7-116763103-G-C. GRCh37 (hg19) VCF-style: chr7-116403157-G-C.
Other names: c.2472G>C, p.Leu824= (NM_001127500.3); c.2418G>C, p.Leu806= (NM_001324401.3); c.1128G>C, p.Leu376= (NM_001324402.2).
Identifiers: ClinVar variation 2710539 (VCV002710539.3), dbSNP rs2116954628, ClinGen allele CA457441666.
Genomic context (GRCh38, chr7:116,763,103, plus strand): 5'-TCTCTAGGCATGTCAACATCGCTCTAATTCAGAGATAATCTGTTGTACCACTCCTTCCCT[G>C]CAACAGCTGAATCTGCAACTCCCCCTGAAAACCAAAGCCTTTTTCATGTTAGATGGGATC-3'
Protein context (NP_000236.2, residues 796-816): SEIICCTTPS[Leu806=]QQLNLQLPLK

ClinVar aggregate classification (germline): Uncertain significance (1 of 4 stars; one submission).

Conditions:
Renal cell carcinoma. Identifiers: Orphanet 217071, MedGen C0007134, MeSH D002292, MONDO:0005086, HP:0005584.

Submission:

Labcorp Genetics (formerly Invitae), Labcorp
Classification: Uncertain significance for Renal cell carcinoma. Last evaluated: 2024-04-11. Review status: criteria provided, single submitter. Criteria: Invitae Variant Classification Sherloc (09022015). Collection method: clinical testing. Allele origin: germline.
Comment: This sequence change affects codon 824 of the MET mRNA. It is a 'silent' change, meaning that it does not change the encoded amino acid sequence of the MET protein. This variant is not present in population databases (gnomAD no frequency). This variant has not been reported in the literature in individuals affected with MET-related conditions. Algorithms developed to predict the effect of sequence changes on RNA splicing suggest that this variant may create or strengthen a splice site. In summary, the available evidence is currently insufficient to determine the role of this variant in disease. Therefore, it has been classified as a Variant of Uncertain Significance.